The following is an entry in ClinVar:

NM_000059.4(BRCA2):c.6206dup (p.Leu2069fs)

Gene: BRCA2 (BRCA2 DNA repair associated; plus strand). Cytogenetic location: 13q13.1.
Variant type: Duplication.
Coding change: c.6206dup on transcript NM_000059.4 (MANE Select); coding-DNA position 6206, one base duplicated (T; older notation c.6206dupT).
Protein change: p.Leu2069fs; shifts the reading frame from leucine 2069.
Molecular consequence: frameshift variant.
Genome position (GRCh38, 1-based): chr13:32,340,561, T duplicated; the last of 4 consecutive T bases (chr13:32,340,558-32,340,561); duplicating any one gives the same sequence. VCF-style (leftmost placement, unchanged base first): chr13-32340557-A-AT. GRCh37 (hg19) VCF-style: chr13-32914694-A-AT.
Other names: short protein forms L2069fs.
Identifiers: ClinVar variation 4710078 (VCV004710078.1).

ClinVar aggregate classification (germline): Pathogenic (1 of 4 stars; one submission).

Conditions:
Hereditary breast ovarian cancer syndrome. Also called: BRCA1- and BRCA2-Associated Hereditary Breast and Ovarian Cancer; Breast and ovarian cancer; Hereditary breast and ovarian cancer syndrome; Hereditary breast and ovarian cancer syndrome (HBOC); Hereditary breast and/or ovarian cancer syndrome; Hereditary breast and ovarian cancer. Identifiers: Orphanet 145, MedGen C0677776, MeSH D061325, MONDO:0003582. Disease mechanism: loss of function.

Submission:

Labcorp Genetics (formerly Invitae), Labcorp
Classification: Pathogenic for Hereditary breast ovarian cancer syndrome. Last evaluated: 2025-08-02. Review status: criteria provided, single submitter. Criteria: Invitae Variant Classification Sherloc (09022015). Collection method: clinical testing. Allele origin: germline.
Comment: This sequence change creates a premature translational stop signal (p.Leu2069Phefs*9) in the BRCA2 gene. It is expected to result in an absent or disrupted protein product. Loss-of-function variants in BRCA2 are known to be pathogenic (PMID: 20104584). This variant is not present in population databases (gnomAD no frequency). This premature translational stop signal has been observed in individual(s) with breast cancer (PMID: 33461583). For these reasons, this variant has been classified as Pathogenic.

Literature cited by the submitters: PubMed 20104584; PubMed 33461583.